The following is an entry in ClinVar:

ClinVar aggregate classification (germline): Uncertain significance. Review status: criteria provided, multiple submitters, no conflicts (2 of 4 stars). 3 submissions from 3 submitters: Uncertain significance (3). Last evaluated 2025-01-07.

Conditions:
Inborn genetic diseases. Identifiers: MedGen C0950123, MeSH D030342.

Allele frequency attached by ClinVar (database versions not stated): gnomAD exomes 0.00004 and 0.00006; gnomAD 0.00005; ExAC 0.00009; TOPMed 0.00012; ESP Exome Variant Server 0.00024.
gnomAD v4.1: 94 of 1,552,224 alleles (0.0061%); highest among the groups gnomAD compares: Non-Finnish European, 0.007%; no homozygotes.

Submissions (3):

GeneDx
Classification: Uncertain significance. Last evaluated: 2025-01-07. Review status: criteria provided, single submitter. Criteria: GeneDx Variant Classification Process June 2021. Collection method: clinical testing. Allele origin: germline. Affected: yes.
Comment: In silico analysis supports that this missense variant has a deleterious effect on protein structure/function; Has not been previously published as pathogenic or benign to our knowledge

Labcorp Genetics (formerly Invitae), Labcorp
Classification: Uncertain significance. Last evaluated: 2021-08-05. Review status: criteria provided, single submitter. Criteria: Invitae Variant Classification Sherloc (09022015). Collection method: clinical testing. Allele origin: germline.
Comment: This sequence change replaces arginine with histidine at codon 721 of the SPTBN2 protein (p.Arg721His). The arginine residue is highly conserved and there is a small physicochemical difference between arginine and histidine. This variant is present in population databases (rs200016211, ExAC 0.02%). This variant has not been reported in the literature in individuals affected with SPTBN2-related conditions. ClinVar contains an entry for this variant (Variation ID: 305576). Advanced modeling of protein sequence and biophysical properties (such as structural, functional, and spatial information, amino acid conservation, physicochemical variation, residue mobility, and thermodynamic stability) performed at Invitae indicates that this missense variant is not expected to disrupt SPTBN2 protein function. In summary, the available evidence is currently insufficient to determine the role of this variant in disease. Therefore, it has been classified as a Variant of Uncertain Significance.

Ambry Genetics
Classification: Uncertain significance for Inborn genetic diseases. Last evaluated: 2021-06-18. Review status: criteria provided, single submitter. Criteria: Ambry Variant Classification Scheme 2023. Collection method: clinical testing. Allele origin: germline.

NM_006946.4(SPTBN2):c.2162G>A (p.Arg721His)

Gene: SPTBN2 (spectrin beta, non-erythrocytic 2; minus strand). Cytogenetic location: 11q13.2.
Variant type: single nucleotide variant.
Coding change: c.2162G>A on transcript NM_006946.4 (MANE Select); coding-DNA position 2162, G replaced by A.
Protein change: p.Arg721His; replaces arginine 721 with histidine.
Molecular consequence: missense variant.
Genome position (GRCh38, 1-based): chr11:66,705,114, C>T on the plus strand (G>A on the coding strand, the complement: SPTBN2 is on the minus strand). VCF-style: chr11-66705114-C-T. GRCh37 (hg19) VCF-style: chr11-66472585-C-T.
Other names: short protein forms R721H.
Identifiers: ClinVar variation 305576 (VCV000305576.14), dbSNP rs200016211, ClinGen allele CA6129182.